The following is an entry in ClinVar:

ClinVar aggregate classification (germline): Uncertain significance. Review status: criteria provided, multiple submitters, no conflicts (2 of 4 stars). 2 submissions from 2 submitters: Uncertain significance (2). Last evaluated 2024-05-14.

Conditions:
Renal tubular dysgenesis of genetic origin. Also called: PRIMITIVE RENAL TUBULE SYNDROME. Identifiers: Orphanet 97369, MedGen C5681536, MONDO:0009970, OMIM 267430.
Hemorrhage, intracerebral, susceptibility to (ICH). Also called: Stroke, hemorrhagic, susceptibility to. Identifiers: MedGen C3281105, MONDO:0100533, OMIM 614519.
Microvascular complications of diabetes, susceptibility to, 3. Identifiers: MedGen C2675470, MONDO:0012963, OMIM 612624.

Allele frequency attached by ClinVar (database versions not stated): gnomAD 0.00002.
gnomAD v4.1: 36 of 1,369,152 alleles (0.0026%); highest among the groups gnomAD compares: Non-Finnish European, 0.0032%; no homozygotes.

Submissions (2):

Fulgent Genetics
Classification: Uncertain significance for Renal tubular dysgenesis of genetic origin; Microvascular complications of diabetes, susceptibility to, 3; Hemorrhage, intracerebral, susceptibility to. Last evaluated: 2024-05-14. Review status: criteria provided, single submitter. Criteria: ACMG Guidelines, 2015. Collection method: clinical testing. Allele origin: germline.

Labcorp Genetics (formerly Invitae), Labcorp
Classification: Uncertain significance. Last evaluated: 2024-01-25. Review status: criteria provided, single submitter. Criteria: Invitae Variant Classification Sherloc (09022015). Collection method: clinical testing. Allele origin: germline.
Comment: This sequence change replaces glutamic acid, which is acidic and polar, with glutamine, which is neutral and polar, at codon 78 of the ACE protein (p.Glu78Gln). This variant is present in population databases (rs778615098, gnomAD 0.02%). This variant has not been reported in the literature in individuals affected with ACE-related conditions. An algorithm developed to predict the effect of missense changes on protein structure and function (PolyPhen-2) suggests that this variant is likely to be tolerated. In summary, the available evidence is currently insufficient to determine the role of this variant in disease. Therefore, it has been classified as a Variant of Uncertain Significance.

NM_000789.4(ACE):c.232G>C (p.Glu78Gln)

Genes: ACE (angiotensin I converting enzyme; plus strand), LOC130061383 (ATAC-STARR-seq lymphoblastoid silent region 8817; plus strand). Cytogenetic location: 17q23.3.
Variant type: single nucleotide variant.
Coding change: c.232G>C on transcript NM_000789.4 (MANE Select); coding-DNA position 232, G replaced by C.
Protein change: p.Glu78Gln; replaces glutamic acid 78 with glutamine.
Molecular consequence: missense variant. On other transcripts: 5 prime UTR variant (2).
Genome position (GRCh38, 1-based): chr17:63,477,326, G>C. VCF-style: chr17-63477326-G-C. GRCh37 (hg19) VCF-style: chr17-61554687-G-C.
Other names: c.-4G>C (NM_001382700.1); c.-383G>C (NM_001382701.1); short protein forms E78Q.
Identifiers: ClinVar variation 2996272 (VCV002996272.4), dbSNP rs778615098, ClinGen allele CA8698973.